The following is an entry in ClinVar:

NM_003640.5(ELP1):c.741-9T>C

Gene: ELP1 (elongator acetyltransferase complex subunit 1; minus strand). Cytogenetic location: 9q31.3.
Variant type: single nucleotide variant.
Coding change: c.741-9T>C on transcript NM_003640.5 (MANE Select); 9 bases into the intron before coding-DNA position 741, T replaced by C.
Molecular consequence: intron variant.
Genome position (GRCh38, 1-based): chr9:108,917,679, A>G on the plus strand (T>C on the coding strand, the complement: ELP1 is on the minus strand). VCF-style: chr9-108917679-A-G. GRCh37 (hg19) VCF-style: chr9-111679959-A-G.
Other names: c.399-9T>C (NM_001318360.2); c.-307-9T>C (NM_001330749.2).
Identifiers: ClinVar variation 1915318 (VCV001915318.3), dbSNP rs2132028224, ClinGen allele CA2580079513.

ClinVar aggregate classification (germline): Uncertain significance. Review status: criteria provided, multiple submitters, no conflicts (2 of 4 stars). 2 submissions from 2 submitters: Uncertain significance (2). Last evaluated 2026-02-11.

Conditions:
Medulloblastoma (MDB). Also called: Medulloblastoma, somatic; MEDULLOBLASTOMA PREDISPOSITION SYNDROME. Identifiers: Orphanet 616, MedGen C0025149, MeSH D008527, MONDO:0007959, OMIM 155255, HP:0002885.

Submissions (2):

St. Jude Molecular Pathology, St. Jude Children's Research Hospital
Classification: Uncertain significance for Medulloblastoma. Last evaluated: 2026-02-11. Review status: criteria provided, single submitter. Criteria: St. Jude Assertion Criteria 2020. Collection method: clinical testing. Allele origin: germline.
Comment: The ELP1 c.741-9T>C intronic change results in a T to C substitution at the -9 position of intron 8 of the ELP1 gene. Algorithms that predict the impact of sequence changes on splicing are inconclusive and to our knowledge these predictions have not been confirmed by RNA studies. This variant is absent in g nomAD v2.1.1. To our knowledge, this variant has not been reported in individuals with ELP1-associated disorders. In summary, the evidence currently available is insufficient to determine the clinical significance of t his variant. It has therefore been classified as of uncertain significance.

Labcorp Genetics (formerly Invitae), Labcorp
Classification: Uncertain significance. Last evaluated: 2022-06-22. Review status: criteria provided, single submitter. Criteria: Invitae Variant Classification Sherloc (09022015). Collection method: clinical testing. Allele origin: germline.
Comment: This sequence change falls in intron 8 of the ELP1 gene. It does not directly change the encoded amino acid sequence of the ELP1 protein. This variant is not present in population databases (gnomAD no frequency). This variant has not been reported in the literature in individuals affected with ELP1-related conditions. Algorithms developed to predict the effect of sequence changes on RNA splicing suggest that this variant may disrupt the consensus splice site. In summary, the available evidence is currently insufficient to determine the role of this variant in disease. Therefore, it has been classified as a Variant of Uncertain Significance.